The following is an entry in ClinVar:

NM_005235.3(ERBB4):c.1451G>A (p.Arg484Lys)

Gene: ERBB4 (erb-b2 receptor tyrosine kinase 4; minus strand). Cytogenetic location: 2q34.
Variant type: single nucleotide variant.
Coding change: c.1451G>A on transcript NM_005235.3 (MANE Select); coding-DNA position 1451, G replaced by A.
Protein change: p.Arg484Lys; replaces arginine 484 with lysine.
Molecular consequence: missense variant.
Genome position (GRCh38, 1-based): chr2:211,702,005, C>T on the plus strand (G>A on the coding strand, the complement: ERBB4 is on the minus strand). VCF-style: chr2-211702005-C-T. GRCh37 (hg19) VCF-style: chr2-212566730-C-T.
Other names: c.1451G>A, p.Arg484Lys (NM_001042599.2, NM_001439005.1, NM_001439006.1); short protein forms R484K.
Identifiers: ClinVar variation 4809767 (VCV004809767.1).

ClinVar aggregate classification (germline): Uncertain significance (1 of 4 stars; one submission).

gnomAD v4.1: 8 of 1,613,838 alleles (0.0005%); highest among the groups gnomAD compares: Non-Finnish European, 0.00068%; no homozygotes.

Submission:

Labcorp Genetics (formerly Invitae), Labcorp
Classification: Uncertain significance. Last evaluated: 2025-04-13. Review status: criteria provided, single submitter. Criteria: Invitae Variant Classification Sherloc (09022015). Collection method: clinical testing. Allele origin: germline.
Comment: This sequence change replaces arginine, which is basic and polar, with lysine, which is basic and polar, at codon 484 of the ERBB4 protein (p.Arg484Lys). This variant is present in population databases (no rsID available, gnomAD 0.002%). This variant has not been reported in the literature in individuals affected with ERBB4-related conditions. An algorithm developed to predict the effect of missense changes on protein structure and function (PolyPhen-2) suggests that this variant is likely to be tolerated. In summary, the available evidence is currently insufficient to determine the role of this variant in disease. Therefore, it has been classified as a Variant of Uncertain Significance.